The following is an entry in ClinVar:

ClinVar aggregate classification (germline): Uncertain significance (1 of 4 stars; one submission).

Conditions:
Aortic aneurysm, familial thoracic 7 (AAT7). Also called: AORTIC DISSECTION, FAMILIAL, WITH OR WITHOUT AORTIC ANEURYSM. Identifiers: MedGen C3151077, MONDO:0013418, OMIM 613780.

Allele frequency attached by ClinVar (database versions not stated): ExAC 0.00001.

Submission:

Labcorp Genetics (formerly Invitae), Labcorp
Classification: Uncertain significance for Aortic aneurysm, familial thoracic 7. Last evaluated: 2023-12-26. Review status: criteria provided, single submitter. Criteria: Invitae Variant Classification Sherloc (09022015). Collection method: clinical testing. Allele origin: germline.
Comment: This sequence change replaces leucine, which is neutral and non-polar, with proline, which is neutral and non-polar, at codon 1767 of the MYLK protein (p.Leu1767Pro). This variant is present in population databases (rs747248257, gnomAD 0.006%). This missense change has been observed in individual(s) with aortic dissection (Invitae). Advanced modeling of protein sequence and biophysical properties (such as structural, functional, and spatial information, amino acid conservation, physicochemical variation, residue mobility, and thermodynamic stability) performed at Invitae indicates that this missense variant is not expected to disrupt MYLK protein function with a negative predictive value of 80%. In summary, the available evidence is currently insufficient to determine the role of this variant in disease. Therefore, it has been classified as a Variant of Uncertain Significance.

NM_053025.4(MYLK):c.5300T>C (p.Leu1767Pro)

Genes: MYLK-AS1 (MYLK antisense RNA 1; plus strand), MYLK (myosin light chain kinase; minus strand). Cytogenetic location: 3q21.1.
Variant type: single nucleotide variant.
Coding change: c.5300T>C on transcript NM_053025.4 (MANE Select); coding-DNA position 5300, T replaced by C.
Protein change: p.Leu1767Pro; replaces leucine 1767 with proline.
Molecular consequence: missense variant.
Genome position (GRCh38, 1-based): chr3:123,620,275, A>G on the plus strand (T>C on the coding strand, the complement: MYLK is on the minus strand). VCF-style: chr3-123620275-A-G. GRCh37 (hg19) VCF-style: chr3-123339122-A-G.
Other names: c.4772T>C, p.Leu1591Pro (NM_001321309.2); c.5093T>C, p.Leu1698Pro (NM_053026.4); c.5147T>C, p.Leu1716Pro (NM_053027.4); c.4940T>C, p.Leu1647Pro (NM_053028.4); c.20T>C, p.Leu7Pro (NM_053031.4, NM_053032.4); short protein forms L7P, L1591P, L1698P, L1647P, L1716P, L1767P.
Identifiers: ClinVar variation 2760237 (VCV002760237.3), dbSNP rs747248257, ClinGen allele CA072765.